The following is an entry in ClinVar:

NM_001277115.2(DNAH11):c.9880G>C (p.Ala3294Pro)

Gene: DNAH11 (dynein axonemal heavy chain 11; plus strand). Cytogenetic location: 7p15.3.
Variant type: single nucleotide variant.
Coding change: c.9880G>C on transcript NM_001277115.2 (MANE Select); coding-DNA position 9880, G replaced by C.
Protein change: p.Ala3294Pro; replaces alanine 3294 with proline.
Molecular consequence: missense variant.
Genome position (GRCh38, 1-based): chr7:21,787,539, G>C. VCF-style: chr7-21787539-G-C. GRCh37 (hg19) VCF-style: chr7-21827157-G-C.
Other names: c.9901G>C, p.Ala3301Pro (NM_003777.3); short protein forms A3294P, A3301P.
Identifiers: ClinVar variation 2913856 (VCV002913856.5), dbSNP rs753284739, ClinGen allele CA4182139.

ClinVar aggregate classification (germline): Conflicting classifications of pathogenicity. Review status: criteria provided, conflicting classifications (1 of 4 stars). 3 submissions from 3 submitters: Likely pathogenic (1); Uncertain significance (1); Likely benign (1). Last evaluated 2026-03-06.

Conditions:
Primary ciliary dyskinesia. Also called: Ciliary dyskinesia. Identifiers: Orphanet 244, MedGen C0008780, MONDO:0016575, HP:0012265.
Primary ciliary dyskinesia 7. Also called: CILIARY DYSKINESIA, PRIMARY, 7, WITH OR WITHOUT SITUS INVERSUS. Identifiers: Orphanet 244, MedGen C2678473, MONDO:0012748, OMIM 611884.

Allele frequency attached by ClinVar (database versions not stated): TOPMed below 0.00001; gnomAD 0.00001; ExAC 0.00003.
gnomAD v4.1: 8 of 1,613,150 alleles (0.0005%); highest among the groups gnomAD compares: Non-Finnish European, 0.00051%; no homozygotes.

Submissions (3):

Clinical Genetics Laboratory, Skane University Hospital Lund
Classification: Likely pathogenic for Primary ciliary dyskinesia 7. Last evaluated: 2026-03-06. Review status: criteria provided, single submitter. Criteria: ACMG Guidelines, 2015. Collection method: clinical testing. Allele origin: germline. Inheritance: Autosomal recessive inheritance. Affected: yes.
Comment: DNAH11 c.9880G>C (NM_001277115.2), p.(Ala3294Pro) represents a single base pair nucleotide substitution in exon 60 of 82, resulting in the amino acid change stated above, which is predicted to be deleterious to protein function. DNAH11 c.9880G>C has previously been detected at low allele frequency in the general population (gnomAD) and has not been reported in the literature. The variant has previously been shown to segregate with disease in one family (internal data). In PCD, the probability of disease-causing variants in DNAH11 is considered high when other known disease-associated genes included in the current analysis have been excluded (see and PMID: 38103548). The variant has been classified as likely pathogenic based on the following ACMG criteria: PM2, PP1_strong, PP3, PP4.

Labcorp Genetics (formerly Invitae), Labcorp
Classification: Likely benign for Primary ciliary dyskinesia. Last evaluated: 2023-03-13. Review status: criteria provided, single submitter. Criteria: Invitae Variant Classification Sherloc (09022015). Collection method: clinical testing. Allele origin: germline.

Blueprint Genetics
Classification: Uncertain significance. Last evaluated: 2021-04-09. Review status: criteria provided, single submitter. Criteria: ACMG Guidelines, 2015. Collection method: clinical testing. Allele origin: germline.

Literature cited by the submitters: PubMed 38103548 (cited by Clinical Genetics Laboratory, Skane University Hospital Lund).